The following is an entry in ClinVar:

ClinVar aggregate classification (germline): Uncertain significance. Review status: criteria provided, multiple submitters, no conflicts (2 of 4 stars). 4 submissions from 4 submitters: Uncertain significance (3). 1 of the submissions does not count toward it. Last evaluated 2025-09-11.

Conditions:
Deficiency of hydroxymethylglutaryl-CoA lyase (HMGCLD). Also called: HMG-CoA LYASE DEFICIENCY; HMGCL DEFICIENCY; HYDROXYMETHYLGLUTARIC ACIDURIA; Defect in leucine metabolism; 3-hydroxy-3-methylglutaric aciduria. Identifiers: Orphanet 20, MedGen C1533587, MONDO:0009520, OMIM 246450.
Inborn genetic diseases. Identifiers: MedGen C0950123, MeSH D030342.

Allele frequency attached by ClinVar (database versions not stated): gnomAD 0.00001; gnomAD exomes 0.00001 and 0.00003; TOPMed 0.00002.
gnomAD v4.1: 15 of 1,613,856 alleles (0.00093%); highest among the groups gnomAD compares: Admixed American, 0.0083%; no homozygotes.

Submissions (4):

Ambry Genetics
Classification: Uncertain significance for Inborn genetic diseases. Last evaluated: 2025-09-11. Review status: criteria provided, single submitter. Criteria: Ambry Variant Classification Scheme 2023. Collection method: clinical testing. Allele origin: germline.

Genome-Nilou Lab
Classification: Uncertain significance for Deficiency of hydroxymethylglutaryl-CoA lyase. Last evaluated: 2023-04-11. Review status: criteria provided, single submitter. Criteria: ACMG Guidelines, 2015. Collection method: clinical testing. Allele origin: germline. Affected: no.

Labcorp Genetics (formerly Invitae), Labcorp
Classification: Uncertain significance for Deficiency of hydroxymethylglutaryl-CoA lyase. Last evaluated: 2022-08-16. Review status: criteria provided, single submitter. Criteria: Invitae Variant Classification Sherloc (09022015). Collection method: clinical testing. Allele origin: germline.
Comment: This sequence change replaces tyrosine, which is neutral and polar, with cysteine, which is neutral and slightly polar, at codon 198 of the HMGCL protein (p.Tyr198Cys). This variant is present in population databases (no rsID available, gnomAD 0.01%). This variant has not been reported in the literature in individuals affected with HMGCL-related conditions. ClinVar contains an entry for this variant (Variation ID: 991795). Algorithms developed to predict the effect of missense changes on protein structure and function (SIFT, PolyPhen-2, Align-GVGD) all suggest that this variant is likely to be disruptive. In summary, the available evidence is currently insufficient to determine the role of this variant in disease. Therefore, it has been classified as a Variant of Uncertain Significance.

Natera, Inc.
Classification: Uncertain significance for HMG-CoA lyase deficiency. Last evaluated: 2020-07-31. Review status: no assertion criteria provided. Collection method: clinical testing. Allele origin: germline. Not counted in ClinVar's aggregate classification.

NM_000191.3(HMGCL):c.593A>G (p.Tyr198Cys)

Gene: HMGCL (3-hydroxy-3-methylglutaryl-CoA lyase; minus strand). Cytogenetic location: 1p36.11.
Variant type: single nucleotide variant.
Coding change: c.593A>G on transcript NM_000191.3 (MANE Select); coding-DNA position 593, A replaced by G.
Protein change: p.Tyr198Cys; replaces tyrosine 198 with cysteine.
Molecular consequence: missense variant.
Genome position (GRCh38, 1-based): chr1:23,808,292, T>C on the plus strand (A>G on the coding strand, the complement: HMGCL is on the minus strand). VCF-style: chr1-23808292-T-C. GRCh37 (hg19) VCF-style: chr1-24134782-T-C.
Other names: c.593A>G (NM_000191.2); c.380A>G, p.Tyr127Cys (NM_001166059.2); short protein forms Y127C, Y198C.
Identifiers: ClinVar variation 991795 (VCV000991795.6), dbSNP rs1303119110, ClinGen allele CA339024413.